The following is an entry in ClinVar:

ClinVar aggregate classification (germline): Likely benign (1 of 4 stars; one submission).

gnomAD v4.1: 328 of 1,609,178 alleles (0.02%); highest among the groups gnomAD compares: Non-Finnish European, 0.027%; no homozygotes.

Submission:

CeGaT Center for Human Genetics Tuebingen
Classification: Likely benign. Last evaluated: 2024-12-01. Review status: criteria provided, single submitter. Criteria: CeGaT Center For Human Genetics Tuebingen Variant Classification Criteria Version 2. Collection method: clinical testing. Allele origin: germline. Affected: yes. Observed: 1 variant allele.
Comment: DPP6: BP4, BP7

NM_130797.4(DPP6):c.1776T>C (p.Pro592=)

Gene: DPP6 (dipeptidyl peptidase like 6; plus strand). Cytogenetic location: 7q36.2.
Variant type: single nucleotide variant.
Coding change: c.1776T>C on transcript NM_130797.4 (MANE Select); coding-DNA position 1776, T replaced by C.
Protein change: p.Pro592=; no amino-acid change (proline 592 retained).
Molecular consequence: synonymous variant. On other transcripts: non-coding transcript variant (2).
Genome position (GRCh38, 1-based): chr7:154,868,056, T>C. VCF-style: chr7-154868056-T-C. GRCh37 (hg19) VCF-style: chr7-154659766-T-C.
Other names: c.1584T>C, p.Pro528= (NM_001039350.3); c.1455T>C, p.Pro485= (NM_001290252.2); c.1593T>C, p.Pro531= (NM_001364497.2, NM_001364498.2, NM_001364499.2 and 1 more transcripts); c.1590T>C, p.Pro530= (NM_001936.5).
Identifiers: ClinVar variation 3770838 (VCV003770838.13).